The following is an entry in ClinVar:

NM_170784.3(MKKS):c.1402A>G (p.Ile468Val)

Gene: MKKS (MKKS centrosomal shuttling protein; minus strand). Cytogenetic location: 20p12.2.
Variant type: single nucleotide variant.
Coding change: c.1402A>G on transcript NM_170784.3 (MANE Select); coding-DNA position 1402, A replaced by G.
Protein change: p.Ile468Val; replaces isoleucine 468 with valine.
Molecular consequence: missense variant. On other transcripts: non-coding transcript variant (1).
Genome position (GRCh38, 1-based): chr20:10,405,558, T>C on the plus strand (A>G on the coding strand, the complement: MKKS is on the minus strand). VCF-style: chr20-10405558-T-C. GRCh37 (hg19) VCF-style: chr20-10386206-T-C.
Other names: c.1402A>G, p.Ile468Val (NM_018848.3); short protein forms I468V.
Identifiers: ClinVar variation 2066956 (VCV002066956.4), dbSNP rs2514486906, ClinGen allele CA408230980.

ClinVar aggregate classification (germline): Uncertain significance (1 of 4 stars; one submission).

Conditions:
McKusick-Kaufman syndrome (MKKS). Also called: HYDROMETROCOLPOS SYNDROME; HYDROMETROCOLPOS, POSTAXIAL POLYDACTYLY, AND CONGENITAL HEART MALFORMATION. Identifiers: Orphanet 2473, MedGen C0948368, MONDO:0009367, OMIM 236700.
Bardet-Biedl syndrome (BBS). Identifiers: Orphanet 110, MedGen C0752166, MONDO:0015229.

Submission:

Labcorp Genetics (formerly Invitae), Labcorp
Classification: Uncertain significance for McKusick-Kaufman syndrome; Bardet-Biedl syndrome. Last evaluated: 2021-12-31. Review status: criteria provided, single submitter. Criteria: Invitae Variant Classification Sherloc (09022015). Collection method: clinical testing. Allele origin: germline.
Comment: This sequence change replaces isoleucine, which is neutral and non-polar, with valine, which is neutral and non-polar, at codon 468 of the MKKS protein (p.Ile468Val). In summary, the available evidence is currently insufficient to determine the role of this variant in disease. Therefore, it has been classified as a Variant of Uncertain Significance. Algorithms developed to predict the effect of missense changes on protein structure and function output the following: SIFT: "Tolerated"; PolyPhen-2: "Benign"; Align-GVGD: "Class C0". The valine amino acid residue is found in multiple mammalian species, which suggests that this missense change does not adversely affect protein function. This variant has not been reported in the literature in individuals affected with MKKS-related conditions. This variant is not present in population databases (gnomAD no frequency).